The following is an entry in ClinVar:

ClinVar aggregate classification (germline): Benign/Likely benign. Review status: criteria provided, multiple submitters, no conflicts (2 of 4 stars). 13 submissions from 13 submitters: Benign (3); Likely benign (7). 3 of the submissions do not count toward it. Last evaluated 2025-12-31.

Conditions:
Lymphangiomyomatosis (LAM). Also called: Lymphangioleiomyomatosis; Lymphangioleiomyomatosis, somatic. Identifiers: Orphanet 538, MedGen C0751674, MONDO:0011705, OMIM 606690.
Tuberous sclerosis 2 (TSC2). Identifiers: Orphanet 805, MedGen C1860707, MONDO:0013199, OMIM 613254.
Isolated focal cortical dysplasia type II (FCORD2). Also called: CORTICAL DYSPLASIA OF TAYLOR; Focal cortical dysplasia type II. Identifiers: Orphanet 268994, MedGen C1846385, MONDO:0011818, OMIM 607341, HP:0032051.
Hereditary cancer-predisposing syndrome. Also called: Tumor predisposition; Neoplastic Syndromes, Hereditary; Hereditary neoplastic syndrome; Hereditary Cancer Syndrome. Identifiers: Orphanet 140162, MedGen C0027672, MeSH D009386, MONDO:0015356.
Tuberous sclerosis syndrome (TSC). Also called: Tuberous Sclerosis Complex; Tuberous sclerosis. Identifiers: Orphanet 805, MedGen C0041341, MONDO:0001734.

Allele frequency attached by ClinVar (database versions not stated): gnomAD 0.00004; TOPMed 0.00010.
gnomAD v4.1: 46 of 1,612,402 alleles (0.0029%); highest among the groups gnomAD compares: Admixed American, 0.0033%; no homozygotes.

Submissions (13):

Labcorp Genetics (formerly Invitae), Labcorp
Classification: Benign for Tuberous sclerosis 2. Last evaluated: 2025-12-31. Review status: criteria provided, single submitter. Criteria: Invitae Variant Classification Sherloc (09022015). Collection method: clinical testing. Allele origin: germline.

Myriad Genetics, Inc.
Classification: Likely benign for Tuberous sclerosis 2. Last evaluated: 2025-05-27. Review status: criteria provided, single submitter. Criteria: Myriad Autosomal Dominant, Autosomal Recessive and X-Linked Classification Criteria (2023). Collection method: clinical testing. Allele origin: unknown.
Comment: This variant is considered likely benign. This variant has been observed at a population frequency that is significantly greater than expected given the associated disease prevalence and penetrance.

Quest Diagnostics Nichols Institute San Juan Capistrano
Classification: Likely benign. Last evaluated: 2025-03-22. Review status: criteria provided, single submitter. Criteria: Quest Diagnostics criteria. Collection method: clinical testing. Allele origin: unknown.

Blueprint Genetics
Classification: Likely benign. Last evaluated: 2024-11-07. Review status: criteria provided, single submitter. Criteria: ACMG Guidelines, 2015. Collection method: clinical testing. Allele origin: germline.

Color Diagnostics, LLC DBA Color Health
Classification: Benign for Tuberous sclerosis syndrome. Last evaluated: 2022-08-10. Review status: criteria provided, single submitter. Criteria: ACMG Guidelines, 2015. Collection method: clinical testing. Allele origin: germline.

Fulgent Genetics
Classification: Likely benign for Lymphangiomyomatosis; Isolated focal cortical dysplasia type II; Tuberous sclerosis 2. Last evaluated: 2022-04-17. Review status: criteria provided, single submitter. Criteria: ACMG Guidelines, 2015. Collection method: clinical testing. Allele origin: unknown.

Sema4
Classification: Likely benign for Hereditary cancer-predisposing syndrome. Last evaluated: 2022-02-02. Review status: criteria provided, single submitter. Criteria: Sema4 Curation Guidelines. Collection method: curation. Allele origin: germline.

Genome-Nilou Lab
Classification: Benign for Tuberous sclerosis 2. Last evaluated: 2021-11-07. Review status: criteria provided, single submitter. Criteria: ACMG Guidelines, 2015. Collection method: clinical testing. Allele origin: germline. Affected: no.

GeneDx
Classification: Likely benign. Last evaluated: 2021-02-24. Review status: criteria provided, single submitter. Criteria: GeneDx Variant Classification Process June 2021. Collection method: clinical testing. Allele origin: germline. Affected: yes.
Comment: This variant is associated with the following publications: (PMID: 21309039, 15798777, 26703369)

Ambry Genetics
Classification: Likely benign for Hereditary cancer-predisposing syndrome. Last evaluated: 2019-02-01. Review status: criteria provided, single submitter. Criteria: Ambry Variant Classification Scheme 2023. Collection method: clinical testing. Allele origin: germline.

Clinical Genetics DNA and cytogenetics Diagnostics Lab, Erasmus MC, Erasmus Medical Center
Classification: Benign. Review status: no assertion criteria provided. Collection method: clinical testing. Allele origin: germline. Affected: yes. Study: VKGL Data-share Consensus. Not counted in ClinVar's aggregate classification.

Genome Diagnostics Laboratory, Amsterdam University Medical Center
Classification: Likely benign. Review status: no assertion criteria provided. Collection method: clinical testing. Allele origin: germline. Affected: yes. Study: VKGL Data-share Consensus. Not counted in ClinVar's aggregate classification.

Tuberous sclerosis database (TSC2)
No classification provided. Condition: TSC. Review status: no classification provided. Criteria: Tuberous Sclerosis Database Assertion Criteria 2015. Collection method: curation. Allele origin: germline. Affected: yes. Not counted in ClinVar's aggregate classification.

Literature cited by the submitters: PubMed 15798777 (cited by Ambry Genetics); PubMed 21309039 (cited by Ambry Genetics); PubMed 26703369 (cited by Ambry Genetics).

NM_000548.5(TSC2):c.2963G>C (p.Arg988Pro)

Gene: TSC2 (TSC complex subunit 2; plus strand). Cytogenetic location: 16p13.3.
Variant type: single nucleotide variant.
Coding change: c.2963G>C on transcript NM_000548.5 (MANE Select); coding-DNA position 2963, G replaced by C.
Protein change: p.Arg988Pro; replaces arginine 988 with proline.
Molecular consequence: missense variant. On other transcripts: intron variant (9).
Genome position (GRCh38, 1-based): chr16:2,077,723, G>C. VCF-style: chr16-2077723-G-C. GRCh37 (hg19) VCF-style: chr16-2127724-G-C.
Other names: c.2963G>C, p.Arg988Pro (NM_001114382.3); c.2837+1138G>C (NM_021055.3, NM_001370405.1, NM_001363528.2 and 2 more transcripts); c.2726+1138G>C (NM_001318827.2); c.2237+1138G>C (NM_001318831.2); c.2690+1138G>C (NM_001318829.2); c.2870+1138G>C (NM_001318832.2); short protein forms R988P.
Identifiers: ClinVar variation 64997 (VCV000064997.26), dbSNP rs397515306, ClinGen allele CA018328.